The following is an entry in ClinVar:

ClinVar aggregate classification (germline): Uncertain significance (1 of 4 stars; one submission).

Allele frequency attached by ClinVar (database versions not stated): ExAC 0.00001; gnomAD exomes 0.00001; TOPMed 0.00003; gnomAD 0.00004; 1000 Genomes Project 30x 0.00016; 1000 Genomes Project 0.00020.
gnomAD v4.1: 18 of 1,614,052 alleles (0.0011%); highest among the groups gnomAD compares: Admixed American, 0.0017%; no homozygotes.

Submission:

Labcorp Genetics (formerly Invitae), Labcorp
Classification: Uncertain significance. Last evaluated: 2022-10-05. Review status: criteria provided, single submitter. Criteria: Invitae Variant Classification Sherloc (09022015). Collection method: clinical testing. Allele origin: germline.
Comment: This sequence change replaces arginine, which is basic and polar, with glutamine, which is neutral and polar, at codon 387 of the INPPL1 protein (p.Arg387Gln). The frequency data for this variant in the population databases is considered unreliable, as metrics indicate poor data quality at this position in the gnomAD database. This variant has not been reported in the literature in individuals affected with INPPL1-related conditions. Algorithms developed to predict the effect of missense changes on protein structure and function (SIFT, PolyPhen-2, Align-GVGD) all suggest that this variant is likely to be tolerated. In summary, the available evidence is currently insufficient to determine the role of this variant in disease. Therefore, it has been classified as a Variant of Uncertain Significance.

NM_001567.4(INPPL1):c.1160G>A (p.Arg387Gln)

Gene: INPPL1 (inositol polyphosphate phosphatase like 1; plus strand). Cytogenetic location: 11q13.4.
Variant type: single nucleotide variant.
Coding change: c.1160G>A on transcript NM_001567.4 (MANE Select); coding-DNA position 1160, G replaced by A.
Protein change: p.Arg387Gln; replaces arginine 387 with glutamine.
Molecular consequence: missense variant.
Genome position (GRCh38, 1-based): chr11:72,230,431, G>A. VCF-style: chr11-72230431-G-A. GRCh37 (hg19) VCF-style: chr11-71941475-G-A.
Other names: short protein forms R387Q.
Identifiers: ClinVar variation 2081624 (VCV002081624.1), dbSNP rs200043222, ClinGen allele CA6169922.